The following is an entry in ClinVar:

NM_170707.4(LMNA):c.1426G>T (p.Asp476Tyr)

Gene: LMNA (lamin A/C; plus strand). Cytogenetic location: 1q22.
Variant type: single nucleotide variant.
Coding change: c.1426G>T on transcript NM_170707.4 (MANE Select); coding-DNA position 1426, G replaced by T.
Protein change: p.Asp476Tyr; replaces aspartic acid 476 with tyrosine.
Molecular consequence: missense variant.
Genome position (GRCh38, 1-based): chr1:156,136,966, G>T. VCF-style: chr1-156136966-G-T. GRCh37 (hg19) VCF-style: chr1-156106757-G-T.
Other names: c.1090G>T, p.Asp364Tyr (NM_001257374.3); c.1183G>T, p.Asp395Tyr (NM_001282624.2); c.1426G>T, p.Asp476Tyr (NM_001282625.2, NM_001282626.2, NM_005572.4 and 1 more transcripts); short protein forms D476Y, D364Y, D395Y.
Identifiers: ClinVar variation 264073 (VCV000264073.5), dbSNP rs886039032, ClinGen allele CA10587417.
Genomic context (GRCh38, chr1:156,136,966, plus strand): 5'-CTATCTTCCCGGCAGGACCAGTCCATGGGCAATTGGCAGATCAAGCGCCAGAATGGAGAT[G>T]ATCCCTTGCTGACTTACCGGTTCCCACCAAAGTTCACCCTGAAGGCTGGGCAGGTGGTGA-3'
Protein context (NP_733821.1, residues 466-486): NWQIKRQNGD[Asp476Tyr]PLLTYRFPPK

ClinVar aggregate classification (germline): Uncertain significance (1 of 4 stars; one submission).

Conditions:
Cardiovascular phenotype. Identifiers: MedGen CN230736.

Allele frequency attached by ClinVar (database versions not stated): gnomAD exomes below 0.00001.
gnomAD v4.1: 5 of 1,614,178 alleles (0.00031%); highest among the groups gnomAD compares: Non-Finnish European, 0.00034%; no homozygotes.

Submission:

Ambry Genetics
Classification: Uncertain significance for Cardiovascular phenotype. Last evaluated: 2015-05-26. Review status: criteria provided, single submitter. Criteria: Ambry Variant Classification Scheme 2023. Collection method: clinical testing. Allele origin: germline.
Comment: The p.D476Y variant (also known as c.1426G>T), located in coding exon 8 of the LMNA gene, results from a G to T substitution at nucleotide position 1426. The aspartic acid at codon 476 is replaced by tyrosine, an amino acid with highly dissimilar properties. This variant was not reported in population based cohorts in the following databases: Database of Single Nucleotide Polymorphisms (dbSNP), NHLBI Exome Sequencing Project (ESP), and 1000 Genomes Project. In the ESP, this variant was not observed in 6,503 samples (13,006 alleles) with coverage at this position. This amino acid position is conserved in most mammals. In addition, this alteration is predicted to be deleterious by in silico analysis. Since supporting evidence is limited at this time, the clinical significance of this variant remains unclear.